The following is an entry in ClinVar:

ClinVar aggregate classification (germline): Uncertain significance. Review status: criteria provided, multiple submitters, no conflicts (2 of 4 stars). 2 submissions from 2 submitters: Uncertain significance (2). Last evaluated 2023-11-20.

Conditions:
Cardiomyopathy (CMYO). Also called: Cardiomyopathies. Identifiers: Orphanet 167848, MedGen C0878544, MONDO:0004994, HP:0001638. Inheritance: Various modes of inheritance.
Catecholaminergic polymorphic ventricular tachycardia (CVPT). Also called: Catecholamine-induced polymorphic ventricular tachycardia. Identifiers: Orphanet 3286, MedGen C5574922, MONDO:0017990.

Submissions (2):

All of Us Research Program, National Institutes of Health
Classification: Uncertain significance for Catecholaminergic polymorphic ventricular tachycardia. Last evaluated: 2023-11-20. Review status: criteria provided, single submitter. Criteria: ACMG Guidelines, 2015. Collection method: clinical testing. Allele origin: germline. Inheritance: Autosomal dominant inheritance. Observed: 1 variant allele, 1 heterozygote.
Comment: This missense variant replaces histidine with glutamine at codon 1679 of the RYR2 protein. Computational prediction is inconclusive regarding the impact of this variant on protein structure and function (internally defined REVEL score threshold 0.5 < inconclusive < 0.7, PMID: 27666373). To our knowledge, functional studies have not been reported for this variant. This variant has not been reported in individuals affected with RYR2-related disorders in the literature. This variant has not been identified in the general population by the Genome Aggregation Database (gnomAD). The available evidence is insufficient to determine the role of this variant in disease conclusively. Therefore, this variant is classified as a Variant of Uncertain Significance.

This study involves interpretation of variants in research participants for the purpose of population health screening. Participant phenotype was not available at the time of variant classification. Additional details can be found in publication PMID: 35346344, PMCID: PMC8962531

Color Diagnostics, LLC DBA Color Health
Classification: Uncertain significance for Cardiomyopathy. Last evaluated: 2023-11-01. Review status: criteria provided, single submitter. Criteria: ACMG Guidelines, 2015. Collection method: clinical testing. Allele origin: germline.
Comment: This missense variant replaces histidine with glutamine at codon 1679 of the RYR2 protein. Computational prediction is inconclusive regarding the impact of this variant on protein structure and function. To our knowledge, functional studies have not been reported for this variant. This variant has not been reported in individuals affected with RYR2-related disorders in the literature. This variant has not been identified in the general population by the Genome Aggregation Database (gnomAD). The available evidence is insufficient to determine the role of this variant in disease conclusively. Therefore, this variant is classified as a Variant of Uncertain Significance.

NM_001035.3(RYR2):c.5037T>A (p.His1679Gln)

Gene: RYR2 (ryanodine receptor 2; plus strand). Cytogenetic location: 1q43.
Variant type: single nucleotide variant.
Coding change: c.5037T>A on transcript NM_001035.3 (MANE Select); coding-DNA position 5037, T replaced by A.
Protein change: p.His1679Gln; replaces histidine 1679 with glutamine.
Molecular consequence: missense variant.
Genome position (GRCh38, 1-based): chr1:237,614,165, T>A. VCF-style: chr1-237614165-T-A. GRCh37 (hg19) VCF-style: chr1-237777465-T-A.
Other names: short protein forms H1679Q.
Identifiers: ClinVar variation 3074462 (VCV003074462.2), dbSNP rs2148593927, ClinGen allele CA345403880.